The following is an entry in ClinVar:

NM_006744.4(RBP4):c.544C>A (p.Gln182Lys)

Gene: RBP4 (retinol binding protein 4; minus strand). Cytogenetic location: 10q23.33.
Variant type: single nucleotide variant.
Coding change: c.544C>A on transcript NM_006744.4 (MANE Select); coding-DNA position 544, C replaced by A.
Protein change: p.Gln182Lys; replaces glutamine 182 with lysine.
Molecular consequence: missense variant.
Genome position (GRCh38, 1-based): chr10:93,593,847, G>T on the plus strand (C>A on the coding strand, the complement: RBP4 is on the minus strand). VCF-style: chr10-93593847-G-T. GRCh37 (hg19) VCF-style: chr10-95353604-G-T.
Other names: c.544C>A, p.Gln182Lys (NM_001323517.1); c.538C>A, p.Gln180Lys (NM_001323518.2); short protein forms Q182K, Q180K.
Identifiers: ClinVar variation 289619 (VCV000289619.14), dbSNP rs116887052, ClinGen allele CA5609519.

ClinVar aggregate classification (germline): Conflicting classifications of pathogenicity. Review status: criteria provided, conflicting classifications (1 of 4 stars). 4 submissions from 4 submitters: Uncertain significance (3); Likely benign (1). Last evaluated 2026-01-07.

Conditions:
Inborn genetic diseases. Identifiers: MedGen C0950123, MeSH D030342.

Allele frequency attached by ClinVar (database versions not stated): 1000 Genomes Project 0.00040; 1000 Genomes Project 30x 0.00047; TOPMed 0.00051; ExAC 0.00054; gnomAD exomes 0.00060 and 0.00117; ESP Exome Variant Server 0.00069.
gnomAD v4.1: 1,783 of 1,612,186 alleles (0.11%); highest among the groups gnomAD compares: Non-Finnish European, 0.14%; 1 homozygote.

Submissions (4):

Labcorp Genetics (formerly Invitae), Labcorp
Classification: Uncertain significance. Last evaluated: 2026-01-07. Review status: criteria provided, single submitter. Criteria: Invitae Variant Classification Sherloc (09022015). Collection method: clinical testing. Allele origin: germline.
Comment: This sequence change replaces glutamine, which is neutral and polar, with lysine, which is basic and polar, at codon 182 of the RBP4 protein (p.Gln182Lys). This variant is present in population databases (rs116887052, gnomAD 0.1%), and has an allele count higher than expected for a pathogenic variant. This variant has not been reported in the literature in individuals affected with RBP4-related conditions. ClinVar contains an entry for this variant (Variation ID: 289619). An algorithm developed to predict the effect of missense changes on protein structure and function outputs the following: PolyPhen-2: "Benign". The lysine amino acid residue is found in multiple mammalian species, which suggests that this missense change does not adversely affect protein function. In summary, the available evidence is currently insufficient to determine the role of this variant in disease. Therefore, it has been classified as a Variant of Uncertain Significance.

Blueprint Genetics
Classification: Likely benign. Last evaluated: 2024-11-21. Review status: criteria provided, single submitter. Criteria: ACMG Guidelines, 2015. Collection method: clinical testing. Allele origin: germline.

Ambry Genetics
Classification: Uncertain significance for Inborn genetic diseases. Last evaluated: 2024-03-01. Review status: criteria provided, single submitter. Criteria: Ambry Variant Classification Scheme 2023. Collection method: clinical testing. Allele origin: germline.

Eurofins Ntd Llc (ga)
Classification: Uncertain significance. Last evaluated: 2016-07-27. Review status: criteria provided, single submitter. Criteria: EGL Classification Definitions 2015. Collection method: clinical testing. Allele origin: germline. Observed: 1 variant allele, 1 heterozygote.